The following is an entry in ClinVar:

NM_014989.7(RIMS1):c.*1310A>G

Gene: RIMS1 (regulating synaptic membrane exocytosis 1; plus strand). Cytogenetic location: 6q13.
Variant type: single nucleotide variant.
Coding change: c.*1310A>G on transcript NM_014989.7 (MANE Select); 1310 bases downstream of the stop codon, A replaced by G.
Molecular consequence: 3 prime UTR variant.
Genome position (GRCh38, 1-based): chr6:72,402,024, A>G. VCF-style: chr6-72402024-A-G. GRCh37 (hg19) VCF-style: chr6-73111726-A-G.
Other names: c.*1310A>G (NM_001168407.2, NM_001168408.2, NM_001168409.2 and 60 more transcripts).
Identifiers: ClinVar variation 908455 (VCV000908455.4), dbSNP rs191038983, ClinGen allele CA141427110.
Genomic context (GRCh38, chr6:72,402,024, plus strand): 5'-TCAATTTGCATTTTCATTTAGTTTCTCTTGGCCTTGAATTTCCCTTGTGACATTCTGTAC[A>G]TGTGCTACAAACTGCAGTCTCTGCAGGTGCATTGATATGTTCTCCCTCCTTTTATGAGTC-3'

ClinVar aggregate classification (germline): Benign (1 of 4 stars; one submission).

Conditions:
Cone-rod dystrophy 7 (CORD7). Identifiers: Orphanet 1872, MedGen C1863634, MONDO:0011355, OMIM 603649.

Allele frequency attached by ClinVar (database versions not stated): gnomAD 0.00014 and 0.00015; TOPMed 0.00029; 1000 Genomes Project 0.00040; 1000 Genomes Project 30x 0.00047.
gnomAD v4.1: 23 of 152,622 alleles (0.015%); highest among the groups gnomAD compares: Admixed American, 0.13%; 1 homozygote.

Submission:

Illumina Laboratory Services, Illumina
Classification: Benign for Cone-rod dystrophy 7. Last evaluated: 2018-01-13. Review status: criteria provided, single submitter. Criteria: ICSL Variant Classification Criteria 13 December 2019. Collection method: clinical testing. Allele origin: germline.
Comment: This variant was observed in the ICSL laboratory as part of a predisposition screen in an ostensibly healthy population. It had not been previously curated by ICSL or reported in the Human Gene Mutation Database (HGMD: prior to June 1st, 2018), and was therefore a candidate for classification through an automated scoring system. Utilizing variant allele frequency, disease prevalence and penetrance estimates, and inheritance mode, an automated score was calculated to assess if this variant is too frequent to cause the disease. Based on the score and internal cut-off values, a variant classified as benign is not then subjected to further curation. The score for this variant resulted in a classification of benign for this disease.